The following is an entry in ClinVar:

ClinVar aggregate classification (germline): Uncertain significance (1 of 4 stars; one submission).

Conditions:
Brody myopathy. Also called: BRODY DISEASE. Identifiers: Orphanet 53347, MedGen C1832918, MONDO:0010977, OMIM 601003.

Allele frequency attached by ClinVar (database versions not stated): gnomAD exomes below 0.00001.
gnomAD v4.1: 1 of 1,614,160 alleles (0.000062%); highest among the groups gnomAD compares: Non-Finnish European, 0.000085%; no homozygotes.

Submission:

Labcorp Genetics (formerly Invitae), Labcorp
Classification: Uncertain significance for Brody myopathy. Last evaluated: 2018-10-07. Review status: criteria provided, single submitter. Criteria: Invitae Variant Classification Sherloc (09022015). Collection method: clinical testing. Allele origin: germline.
Comment: In summary, this variant is a novel missense change with uncertain impact on protein function. It has been classified as a Variant of Uncertain Significance. This sequence change replaces glutamic acid with glycine at codon 121 of the ATP2A1 protein (p.Glu121Gly). The glutamic acid residue is moderately conserved and there is a moderate physicochemical difference between glutamic acid and glycine. This variant is not present in population databases (ExAC no frequency) and has not been reported in the literature in individuals with a ATP2A1-related disease. Algorithms developed to predict the effect of missense changes on protein structure and function do not agree on the potential impact of this missense change (SIFT: "Deleterious"; PolyPhen-2: "Benign"; Align-GVGD: "Class C0"). Algorithms developed to predict the effect of sequence changes on RNA splicing suggest that this variant may alter RNA splicing, but this prediction has not been confirmed by published transcriptional studies.

NM_004320.6(ATP2A1):c.362A>G (p.Glu121Gly)

Gene: ATP2A1 (ATPase sarcoplasmic/endoplasmic reticulum Ca2+ transporting 1; plus strand). Cytogenetic location: 16p11.2.
Variant type: single nucleotide variant.
Coding change: c.362A>G on transcript NM_004320.6 (MANE Select); coding-DNA position 362, A replaced by G.
Protein change: p.Glu121Gly; replaces glutamic acid 121 with glycine.
Molecular consequence: missense variant. On other transcripts: 5 prime UTR variant (1).
Genome position (GRCh38, 1-based): chr16:28,882,488, A>G. VCF-style: chr16-28882488-A-G. GRCh37 (hg19) VCF-style: chr16-28893809-A-G.
Other names: c.-14A>G (NM_001286075.2); c.362A>G, p.Glu121Gly (NM_173201.5); short protein forms E121G.
Identifiers: ClinVar variation 464088 (VCV000464088.10), dbSNP rs1555514985, ClinGen allele CA395401100.